The following is an entry in ClinVar:

ClinVar aggregate classification (germline): Uncertain significance (1 of 4 stars; one submission).

Submission:

GeneDx
Classification: Uncertain significance. Last evaluated: 2022-03-08. Review status: criteria provided, single submitter. Criteria: GeneDx Variant Classification Process June 2021. Collection method: clinical testing. Allele origin: germline. Affected: yes.
Comment: Not observed at significant frequency in large population cohorts (gnomAD); In silico analysis supports that this missense variant has a deleterious effect on protein structure/function; Occurs in the triple helical domain at the X position in the canonical Gly-X-Y repeat; although this variant may have an effect on normal protein folding and function, missense substitution at the X position is not a common mechanism of disease (HGMD); Has not been previously published as pathogenic or benign to our knowledge

NM_000090.4(COL3A1):c.1774A>C (p.Lys592Gln)

Gene: COL3A1 (collagen type III alpha 1 chain; plus strand). Cytogenetic location: 2q32.2.
Variant type: single nucleotide variant.
Coding change: c.1774A>C on transcript NM_000090.4 (MANE Select); coding-DNA position 1774, A replaced by C.
Protein change: p.Lys592Gln; replaces lysine 592 with glutamine.
Molecular consequence: missense variant.
Genome position (GRCh38, 1-based): chr2:188,997,177, A>C. VCF-style: chr2-188997177-A-C. GRCh37 (hg19) VCF-style: chr2-189861903-A-C.
Other names: short protein forms K592Q.
Identifiers: ClinVar variation 1704751 (VCV001704751.2), dbSNP rs2469137663, ClinGen allele CA349853216.
Genomic context (GRCh38, chr2:188,997,177, plus strand): 5'-AGTTATTGCCCTTTGAGGATTAGTAAATACCGACCACTTCTTCTTTAGGGTGCTCCTGGT[A>C]AGAATGGAGAACGAGGTGGCCCTGGAGGACCTGGCCCTCAGGTACGTAGCTTTCCTCAAT-3'
Protein context (NP_000081.2, residues 582-602): GPKGNDGAPG[Lys592Gln]NGERGGPGGP